The following is an entry in ClinVar:

NM_020975.6(RET):c.3332C>T (p.Thr1111Met)

Gene: RET (ret proto-oncogene; plus strand). Cytogenetic location: 10q11.21.
Variant type: single nucleotide variant.
Coding change: c.3332C>T on transcript NM_020975.6 (MANE Select); coding-DNA position 3332, C replaced by T.
Protein change: p.Thr1111Met; replaces threonine 1111 with methionine.
Molecular consequence: missense variant.
Genome position (GRCh38, 1-based): chr10:43,128,256, C>T. VCF-style: chr10-43128256-C-T. GRCh37 (hg19) VCF-style: chr10-43623704-C-T.
Other names: short protein forms T1111M.
Identifiers: ClinVar variation 964019 (VCV000964019.15), dbSNP rs1003057639, ClinGen allele CA206268174.

ClinVar aggregate classification (germline): Conflicting classifications of pathogenicity. Review status: criteria provided, conflicting classifications (1 of 4 stars). 5 submissions from 5 submitters: Uncertain significance (4); Benign (1). Last evaluated 2025-08-13.

Conditions:
Hereditary cancer-predisposing syndrome. Also called: Tumor predisposition; Hereditary neoplastic syndrome; Hereditary Cancer Syndrome; Neoplastic Syndromes, Hereditary. Identifiers: Orphanet 140162, MedGen C0027672, MeSH D009386, MONDO:0015356.
Hirschsprung disease, susceptibility to, 1 (HSCR1). Also called: RET-Related Hirschsprung Disease. Identifiers: Orphanet 388, MedGen C3888239, MONDO:0007723, OMIM 142623.
Multiple endocrine neoplasia, type 2 (MEN2). Identifiers: Orphanet 653, MedGen C4048306, MONDO:0019003. Disease mechanism: gain of function.

Allele frequency attached by ClinVar (database versions not stated): gnomAD exomes below 0.00001; gnomAD 0.00001; TOPMed 0.00001.
gnomAD v4.1: 5 of 1,613,972 alleles (0.00031%); highest among the groups gnomAD compares: African/African-American, 0.0013%; no homozygotes.

Submissions (5):

Labcorp Genetics (formerly Invitae), Labcorp
Classification: Uncertain significance for Multiple endocrine neoplasia, type 2. Last evaluated: 2025-08-13. Review status: criteria provided, single submitter. Criteria: Invitae Variant Classification Sherloc (09022015). Collection method: clinical testing. Allele origin: germline.
Comment: This sequence change replaces threonine, which is neutral and polar, with methionine, which is neutral and non-polar, at codon 1111 of the RET protein (p.Thr1111Met). This variant is not present in population databases (gnomAD no frequency). This variant has not been reported in the literature in individuals affected with RET-related conditions. ClinVar contains an entry for this variant (Variation ID: 964019). An algorithm developed to predict the effect of missense changes on protein structure and function (PolyPhen-2) suggests that this variant is likely to be tolerated. In summary, the available evidence is currently insufficient to determine the role of this variant in disease. Therefore, it has been classified as a Variant of Uncertain Significance.

Ambry Genetics
Classification: Uncertain significance for Hereditary cancer-predisposing syndrome. Last evaluated: 2024-10-28. Review status: criteria provided, single submitter. Criteria: Ambry Variant Classification Scheme 2023. Collection method: clinical testing. Allele origin: germline.
Comment: The p.T1111M variant (also known as c.3332C>T), located in coding exon 20 of the RET gene, results from a C to T substitution at nucleotide position 3332. The threonine at codon 1111 is replaced by methionine, an amino acid with similar properties. This amino acid position is poorly conserved in available vertebrate species. In addition, this alteration is predicted to be tolerated by in silico analysis. Based on the available evidence, the clinical significance of this variant remains unclear.

All of Us Research Program, National Institutes of Health
Classification: Uncertain significance for Multiple endocrine neoplasia, type 2. Last evaluated: 2024-01-11. Review status: criteria provided, single submitter. Criteria: ACMG Guidelines, 2015. Collection method: clinical testing. Allele origin: germline. Inheritance: Autosomal dominant inheritance. Observed: 1 variant allele, 1 heterozygote.
Comment: This missense variant replaces threonine with methionine at codon 1111 of the RET protein. Computational prediction suggests that this variant may not impact protein structure and function (internally defined REVEL score threshold <= 0.5, PMID: 27666373). To our knowledge, functional studies have not been reported for this variant. This variant has not been reported in individuals affected with hereditary cancer in the literature. This variant has not been identified in the general population by the Genome Aggregation Database (gnomAD). The available evidence is insufficient to determine the role of this variant in disease conclusively. Therefore, this variant is classified as a Variant of Uncertain Significance.

This study involves interpretation of variants in research participants for the purpose of population health screening. Participant phenotype was not available at the time of variant classification. Additional details can be found in publication PMID: 35346344, PMCID: PMC8962531

Baylor Genetics
Classification: Uncertain significance for Hirschsprung disease, susceptibility to, 1. Last evaluated: 2023-08-15. Review status: criteria provided, single submitter. Criteria: ACMG Guidelines, 2015. Collection method: clinical testing. Allele origin: unknown.

Mendelics
Classification: Benign. Last evaluated: 2022-05-04. Review status: criteria provided, single submitter. Criteria: Mendelics Assertion Criteria 2019. Collection method: clinical testing. Allele origin: germline.